The following is an entry in ClinVar:

ClinVar aggregate classification (germline): Uncertain significance (1 of 4 stars; one submission).

Allele frequency attached by ClinVar (database versions not stated): gnomAD exomes below 0.00001.
gnomAD v4.1: 1 of 1,614,100 alleles (0.000062%); highest among the groups gnomAD compares: Non-Finnish European, 0.000085%; no homozygotes.

Submission:

Labcorp Genetics (formerly Invitae), Labcorp
Classification: Uncertain significance. Last evaluated: 2022-01-06. Review status: criteria provided, single submitter. Criteria: Invitae Variant Classification Sherloc (09022015). Collection method: clinical testing. Allele origin: germline.
Comment: This sequence change replaces valine, which is neutral and non-polar, with alanine, which is neutral and non-polar, at codon 1440 of the LRP2 protein (p.Val1440Ala). This variant is not present in population databases (gnomAD no frequency). This variant has not been reported in the literature in individuals affected with LRP2-related conditions. Advanced modeling of protein sequence and biophysical properties (such as structural, functional, and spatial information, amino acid conservation, physicochemical variation, residue mobility, and thermodynamic stability) performed at Invitae indicates that this missense variant is expected to disrupt LRP2 protein function. In summary, the available evidence is currently insufficient to determine the role of this variant in disease. Therefore, it has been classified as a Variant of Uncertain Significance.

NM_004525.3(LRP2):c.4319T>C (p.Val1440Ala)

Gene: LRP2 (LDL receptor related protein 2; minus strand). Cytogenetic location: 2q31.1.
Variant type: single nucleotide variant.
Coding change: c.4319T>C on transcript NM_004525.3 (MANE Select); coding-DNA position 4319, T replaced by C.
Protein change: p.Val1440Ala; replaces valine 1440 with alanine.
Molecular consequence: missense variant.
Genome position (GRCh38, 1-based): chr2:169,238,278, A>G on the plus strand (T>C on the coding strand, the complement: LRP2 is on the minus strand). VCF-style: chr2-169238278-A-G. GRCh37 (hg19) VCF-style: chr2-170094788-A-G.
Other names: short protein forms V1440A.
Identifiers: ClinVar variation 1407374 (VCV001407374.5), dbSNP rs2105379039, ClinGen allele CA349145008.